The following is an entry in ClinVar:

ClinVar aggregate classification (germline): Conflicting classifications of pathogenicity. Review status: criteria provided, conflicting classifications (1 of 4 stars). 2 submissions from 2 submitters: Uncertain significance (1); Likely benign (1). Last evaluated 2026-08-31.

Conditions:
Hereditary cancer-predisposing syndrome. Also called: Hereditary Cancer Syndrome; Tumor predisposition; Neoplastic Syndromes, Hereditary; Hereditary neoplastic syndrome. Identifiers: Orphanet 140162, MedGen C0027672, MeSH D009386, MONDO:0015356.
Ataxia-telangiectasia syndrome (AT). Also called: Ataxia-telangiectasia, complementation group D; AT, COMPLEMENTATION GROUP C; ATAXIA-TELANGIECTASIA, COMPLEMENTATION GROUP A; ATAXIA-TELANGIECTASIA, FRESNO VARIANT; Ataxia-telangiectasia; Ataxia-telangiectasia, complementation group E. Identifiers: Orphanet 100, MedGen C0004135, MONDO:0008840, OMIM 208900.

Submissions (2):

Ambry Genetics
Classification: Likely benign for Hereditary cancer-predisposing syndrome. Last evaluated: 2026-08-31. Review status: criteria provided, single submitter. Criteria: Ambry Variant Classification Scheme 2023. Collection method: clinical testing. Allele origin: germline.

Labcorp Genetics (formerly Invitae), Labcorp
Classification: Uncertain significance for Ataxia-telangiectasia syndrome. Last evaluated: 2025-06-02. Review status: criteria provided, single submitter. Criteria: Invitae Variant Classification Sherloc (09022015). Collection method: clinical testing. Allele origin: germline.
Comment: This sequence change replaces serine, which is neutral and polar, with glycine, which is neutral and non-polar, at codon 1360 of the ATM protein (p.Ser1360Gly). This variant is not present in population databases (gnomAD no frequency). This variant has not been reported in the literature in individuals affected with ATM-related conditions. ClinVar contains an entry for this variant (Variation ID: 1497220). Invitae Evidence Modeling of protein sequence and biophysical properties (such as structural, functional, and spatial information, amino acid conservation, physicochemical variation, residue mobility, and thermodynamic stability) indicates that this missense variant is not expected to disrupt ATM protein function with a negative predictive value of 95%. In summary, the available evidence is currently insufficient to determine the role of this variant in disease. Therefore, it has been classified as a Variant of Uncertain Significance.

NM_000051.4(ATM):c.4078A>G (p.Ser1360Gly)

Gene: ATM (ATM serine/threonine kinase; plus strand). Cytogenetic location: 11q22.3.
Variant type: single nucleotide variant.
Coding change: c.4078A>G on transcript NM_000051.4 (MANE Select); coding-DNA position 4078, A replaced by G.
Protein change: p.Ser1360Gly; replaces serine 1360 with glycine.
Molecular consequence: missense variant.
Genome position (GRCh38, 1-based): chr11:108,287,684, A>G. VCF-style: chr11-108287684-A-G. GRCh37 (hg19) VCF-style: chr11-108158411-A-G.
Other names: c.4078A>G, p.Ser1360Gly (NM_001351834.2); c.4078A>G (NM_000051.3); short protein forms S1360G.
Identifiers: ClinVar variation 1497220 (VCV001497220.9), dbSNP rs761123780, ClinGen allele CA382528276.